The following is an entry in ClinVar:

ClinVar aggregate classification (germline): Pathogenic/Likely pathogenic. Review status: criteria provided, multiple submitters, no conflicts (2 of 4 stars). 3 submissions from 3 submitters: Pathogenic (1); Likely pathogenic (2). Last evaluated 2026-06-11.

Conditions:
Mucopolysaccharidosis type 1. Also called: IDUA deficiency; MPS I; Mucopolysaccharidosis Type I. Identifiers: Orphanet 579, MedGen C0023786, MONDO:0001586.

gnomAD v4.1: 2 of 1,602,492 alleles (0.00012%); highest among the groups gnomAD compares: South Asian, 0.0011%; no homozygotes.

Submissions (3):

Women's Health and Genetics/Laboratory Corporation of America, LabCorp
Classification: Likely pathogenic for Mucopolysaccharidosis type 1. Last evaluated: 2026-06-11. Review status: criteria provided, single submitter. Criteria: LabCorp Variant Classification Summary - May 2015. Collection method: clinical testing. Allele origin: germline.
Comment: Variant summary: IDUA c.265C>G (p.Arg89Gly) results in a non-conservative amino acid change in the encoded protein sequence. Algorithms developed to predict the effect of missense changes on protein structure and function all suggest that this variant is likely to be disruptive. The variant was absent in 221242 control chromosomes. c.265C>G has been observed in the presumed compound heterozygous state in at least 1 individual(s) affected with IDUA-related conditions (Thomas_2021). One publication reports experimental evidence evaluating an impact on protein function in patient dried blood spot sample(s), however, does not allow convincing conclusions about the variant effect (Thomas_2021). Multiple variants located at the same codon (c.265C>T, p.Arg89Trp; c.266G>A, p.Arg89Gln) have been classified as Pathogenic/Likely Pathogenic by our lab, supporting a critical relevance of this residue to IDUA protein function. The following publication has been ascertained in the context of this evaluation (PMID: 33301762). ClinVar contains an entry for this variant (Variation ID: 2843836). Based on the evidence outlined above, the variant was classified as likely pathogenic.

Natera, Inc.
Classification: Likely pathogenic for Mucopolysaccharidosis type I. Last evaluated: 2025-02-15. Review status: criteria provided, single submitter. Criteria: Natera Variant Classification Schema (03/2026). Collection method: clinical testing. Allele origin: germline.
Comment: The c.265C>G variant in IDUA is a missense variant predicted to cause substitution of arginine to glycine at amino acid 89. This variant is rare in the general population with a frequency below the threshold expected for the associated phenotype(s). This variant has been observed in one or more individuals affected with the associated recessive disease, as either homozygous or compound heterozygous with a second variant (PMID: 33301762). This variant has been identified in one or more affected individual with a phenotype highly consistent with the associated gene (PMID: 33301762). A different variant at the same position has been determined to be Pathogenic or Likely Pathogenic. Computational prediction algorithms indicate this variant is likely to affect gene or protein function. Given the available evidence, this variant is classified as Likely Pathogenic.

Labcorp Genetics (formerly Invitae), Labcorp
Classification: Pathogenic for Mucopolysaccharidosis type 1. Last evaluated: 2023-03-15. Review status: criteria provided, single submitter. Criteria: Invitae Variant Classification Sherloc (09022015). Collection method: clinical testing. Allele origin: germline.
Comment: For these reasons, this variant has been classified as Pathogenic. This variant disrupts the p.Arg89 amino acid residue in IDUA. Other variant(s) that disrupt this residue have been determined to be pathogenic (PMID: 7550242, 12559846, 14559116, 24368159). This suggests that this residue is clinically significant, and that variants that disrupt this residue are likely to be disease-causing. Advanced modeling of protein sequence and biophysical properties (such as structural, functional, and spatial information, amino acid conservation, physicochemical variation, residue mobility, and thermodynamic stability) performed at Invitae indicates that this missense variant is expected to disrupt IDUA protein function. This missense change has been observed in individual(s) with Hurler syndrome (PMID: 33301762). This variant is not present in population databases (gnomAD no frequency). This sequence change replaces arginine, which is basic and polar, with glycine, which is neutral and non-polar, at codon 89 of the IDUA protein (p.Arg89Gly).

Literature cited by the submitters: PubMed 33301762 (cited by 3 submitters); PubMed 7550242 (cited by Labcorp Genetics (formerly Invitae), Labcorp); PubMed 12559846 (cited by Labcorp Genetics (formerly Invitae), Labcorp); PubMed 14559116 (cited by Labcorp Genetics (formerly Invitae), Labcorp); PubMed 24368159 (cited by Labcorp Genetics (formerly Invitae), Labcorp).

NM_000203.5(IDUA):c.265C>G (p.Arg89Gly)

Genes: IDUA (alpha-L-iduronidase; plus strand), SLC26A1 (solute carrier family 26 member 1; minus strand). Cytogenetic location: 4p16.3.
Variant type: single nucleotide variant.
Coding change: c.265C>G on transcript NM_000203.5 (MANE Select); coding-DNA position 265, C replaced by G.
Protein change: p.Arg89Gly; replaces arginine 89 with glycine.
Molecular consequence: missense variant. On other transcripts: 3 prime UTR variant (2), non-coding transcript variant (1), intron variant (1).
Genome position (GRCh38, 1-based): chr4:987,915, C>G. VCF-style: chr4-987915-C-G. GRCh37 (hg19) VCF-style: chr4-981703-C-G.
Other names: c.*918G>C (NM_022042.4, NM_213613.4); c.576+3213G>C (NM_134425.4); c.265C>G (NM_000203.4); short protein forms R89G.
Identifiers: ClinVar variation 2843836 (VCV002843836.6), dbSNP rs754966840, ClinGen allele CA355946541.